The following is an entry in ClinVar:

NM_020376.4(PNPLA2):c.399C>T (p.Asn133=)

Gene: PNPLA2 (patatin like domain 2, triacylglycerol lipase; plus strand). Cytogenetic location: 11p15.5.
Variant type: single nucleotide variant.
Coding change: c.399C>T on transcript NM_020376.4 (MANE Select); coding-DNA position 399, C replaced by T.
Protein change: p.Asn133=; no amino-acid change (asparagine 133 retained).
Molecular consequence: synonymous variant.
Genome position (GRCh38, 1-based): chr11:821,839, C>T. VCF-style: chr11-821839-C-T. GRCh37 (hg19) VCF-style: chr11-821839-C-T.
Identifiers: ClinVar variation 306295 (VCV000306295.18), dbSNP rs143992505, ClinGen allele CA5790957.

ClinVar aggregate classification (germline): Conflicting classifications of pathogenicity. Review status: criteria provided, conflicting classifications (1 of 4 stars). 4 submissions from 4 submitters: Uncertain significance (1); Benign (1); Likely benign (2). Last evaluated 2026-01-31.

Conditions:
PNPLA2-related disorder. Also called: PNPLA2-related condition.
Neutral lipid storage myopathy (NLSDM). Also called: NEUTRAL LIPID STORAGE DISEASE WITHOUT ICHTHYOSIS. Identifiers: Orphanet 98908, MedGen C1853136, MONDO:0012545, OMIM 610717.

Allele frequency attached by ClinVar (database versions not stated): gnomAD exomes 0.00033 and 0.00076; ESP Exome Variant Server 0.00038; gnomAD 0.00055 and 0.00057; ExAC 0.00056; TOPMed 0.00068.
gnomAD v4.1: 605 of 1,613,926 alleles (0.037%); highest among the groups gnomAD compares: Admixed American, 0.11%; 3 homozygotes.

Submissions (4):

Labcorp Genetics (formerly Invitae), Labcorp
Classification: Likely benign for Neutral lipid storage myopathy. Last evaluated: 2026-01-31. Review status: criteria provided, single submitter. Criteria: Invitae Variant Classification Sherloc (09022015). Collection method: clinical testing. Allele origin: germline.

PreventionGenetics, part of Exact Sciences
Classification: Benign for PNPLA2-related condition. Last evaluated: 2025-11-20. Review status: criteria provided, single submitter. Criteria: ACMG Guidelines, 2015. Collection method: clinical testing. Allele origin: germline.
Comment: This variant is classified as benign based on ACMG/AMP sequence variant interpretation guidelines (Richards et al. 2015 PMID: 25741868, with internal and published modifications).

Blueprint Genetics
Classification: Likely benign. Last evaluated: 2024-08-12. Review status: criteria provided, single submitter. Criteria: ACMG Guidelines, 2015. Collection method: clinical testing. Allele origin: germline.

Illumina Laboratory Services, Illumina
Classification: Uncertain significance for Neutral lipid storage myopathy. Last evaluated: 2018-01-13. Review status: criteria provided, single submitter. Criteria: ICSL Variant Classification Criteria 13 December 2019. Collection method: clinical testing. Allele origin: germline.